The following is an entry in ClinVar:

ClinVar aggregate classification (germline): Uncertain significance. Review status: criteria provided, multiple submitters, no conflicts (2 of 4 stars). 2 submissions from 2 submitters: Uncertain significance (2). Last evaluated 2024-07-01.

Conditions:
Glomerulopathy with fibronectin deposits 2 (GFND2). Identifiers: Orphanet 84090, MedGen C1866075, MONDO:0011165, OMIM 601894.
Spondylometaphyseal dysplasia - Sutcliffe type. Also called: Sutcliffe type of spondylometaphyseal dysplasia; Sutcliffe SMD; Spondylometaphyseal dysplasia, 'corner fracture' type; Spondylometaphyseal Dysplasia, Corner Fracture Type. Identifiers: Orphanet 93315, MedGen C0432221, MONDO:0008479, OMIM 184255.

gnomAD v4.1: 10 of 1,603,552 alleles (0.00062%); highest among the groups gnomAD compares: Non-Finnish European, 0.00068%; no homozygotes.

Submissions (2):

Labcorp Genetics (formerly Invitae), Labcorp
Classification: Uncertain significance. Last evaluated: 2024-07-01. Review status: criteria provided, single submitter. Criteria: Invitae Variant Classification Sherloc (09022015). Collection method: clinical testing. Allele origin: germline.
Comment: This sequence change replaces alanine, which is neutral and non-polar, with glutamic acid, which is acidic and polar, at codon 20 of the FN1 protein (p.Ala20Glu). This variant is not present in population databases (gnomAD no frequency). This variant has not been reported in the literature in individuals affected with FN1-related conditions. Advanced modeling of protein sequence and biophysical properties (such as structural, functional, and spatial information, amino acid conservation, physicochemical variation, residue mobility, and thermodynamic stability) performed at Invitae indicates that this missense variant is not expected to disrupt FN1 protein function with a negative predictive value of 80%. In summary, the available evidence is currently insufficient to determine the role of this variant in disease. Therefore, it has been classified as a Variant of Uncertain Significance.

Fulgent Genetics
Classification: Uncertain significance for Spondylometaphyseal dysplasia - Sutcliffe type; Glomerulopathy with fibronectin deposits 2. Last evaluated: 2024-06-01. Review status: criteria provided, single submitter. Criteria: ACMG Guidelines, 2015. Collection method: clinical testing. Allele origin: germline.

NM_212482.4(FN1):c.59C>A (p.Ala20Glu)

Genes: FN1 (fibronectin 1; minus strand), FN1-DT (FN1 divergent transcript; plus strand). Cytogenetic location: 2q35.
Variant type: single nucleotide variant.
Coding change: c.59C>A on transcript NM_212482.4 (MANE Select); coding-DNA position 59, C replaced by A.
Protein change: p.Ala20Glu; replaces alanine 20 with glutamic acid.
Molecular consequence: missense variant. On other transcripts: non-coding transcript variant (1).
Genome position (GRCh38, 1-based): chr2:215,435,744, G>T on the plus strand (C>A on the coding strand, the complement: FN1 is on the minus strand). VCF-style: chr2-215435744-G-T. GRCh37 (hg19) VCF-style: chr2-216300467-G-T.
Other names: c.59C>A, p.Ala20Glu (NM_001365521.2, NM_001365522.2, NM_001365523.2 and 14 more transcripts); short protein forms A20E.
Identifiers: ClinVar variation 3585569 (VCV003585569.3).